The following is an entry in ClinVar:

NM_001267550.2(TTN):c.80942G>A (p.Arg26981Gln)

Genes: TTN-AS1 (TTN antisense RNA 1; plus strand), TTN (titin; minus strand). Cytogenetic location: 2q31.2.
Variant type: single nucleotide variant.
Coding change: c.80942G>A on transcript NM_001267550.2 (MANE Select); coding-DNA position 80942, G replaced by A.
Protein change: p.Arg26981Gln; replaces arginine 26981 with glutamine.
Molecular consequence: missense variant.
Genome position (GRCh38, 1-based): chr2:178,565,190, C>T on the plus strand (G>A on the coding strand, the complement: TTN is on the minus strand). VCF-style: chr2-178565190-C-T. GRCh37 (hg19) VCF-style: chr2-179429917-C-T.
Other names: c.76019G>A, p.Arg25340Gln (NM_001256850.1); c.53747G>A, p.Arg17916Gln (NM_003319.4); c.73238G>A, p.Arg24413Gln (NM_133378.4); c.54122G>A, p.Arg18041Gln (NM_133432.3); c.54323G>A, p.Arg18108Gln (NM_133437.4); short protein forms R26981Q, R24413Q, R18041Q, R18108Q, R25340Q, R17916Q.
Identifiers: ClinVar variation 404662 (VCV000404662.12), dbSNP rs768308408, ClinGen allele CA1989274.

ClinVar aggregate classification (germline): Uncertain significance. Review status: criteria provided, multiple submitters, no conflicts (2 of 4 stars). 4 submissions from 4 submitters: Uncertain significance (4). Last evaluated 2020-11-16.

Conditions:
Cardiovascular phenotype. Identifiers: MedGen CN230736.
Dilated cardiomyopathy 1G (CMD1G). Identifiers: Orphanet 154, MedGen C1858763, MONDO:0011400, OMIM 604145.
Autosomal recessive limb-girdle muscular dystrophy type 2J (LGMDR10). Also called: Limb-girdle muscular dystrophy, type 2J; MUSCULAR DYSTROPHY, LIMB-GIRDLE, AUTOSOMAL RECESSIVE 10. Identifiers: Orphanet 140922, MedGen C1837342, MONDO:0012127, OMIM 608807.

Allele frequency attached by ClinVar (database versions not stated): gnomAD exomes 0.00003; ExAC 0.00004; gnomAD 0.00004 and 0.00005; TOPMed 0.00006.
gnomAD v4.1: 153 of 1,613,370 alleles (0.0095%); highest among the groups gnomAD compares: South Asian, 0.021%; no homozygotes.

Submissions (4):

Revvity Omics, Revvity
Classification: Uncertain significance. Last evaluated: 2020-11-16. Review status: criteria provided, single submitter. Criteria: ACMG Guidelines, 2015. Collection method: clinical testing. Allele origin: germline.

Ambry Genetics
Classification: Uncertain significance for Cardiovascular phenotype. Last evaluated: 2020-08-12. Review status: criteria provided, single submitter. Criteria: Ambry Variant Classification Scheme 2023. Collection method: clinical testing. Allele origin: germline.
Comment: The p.R17916Q variant (also known as c.53747G>A), located in coding exon 153 of the TTN gene, results from a G to A substitution at nucleotide position 53747. The arginine at codon 17916 is replaced by glutamine, an amino acid with highly similar properties. This amino acid position is not well conserved in available vertebrate species. In addition, this alteration is predicted to be tolerated by in silico analysis. Since supporting evidence is limited at this time, the clinical significance of this variant remains unclear.

Eurofins Ntd Llc (ga)
Classification: Uncertain significance. Last evaluated: 2017-12-12. Review status: criteria provided, single submitter. Criteria: EGL Classification Definitions 2015. Collection method: clinical testing. Allele origin: germline. Observed: 2 variant alleles, 2 heterozygotes.

Labcorp Genetics (formerly Invitae), Labcorp
Classification: Uncertain significance for Dilated cardiomyopathy 1G; Autosomal recessive limb-girdle muscular dystrophy type 2J. Last evaluated: 2016-06-11. Review status: criteria provided, single submitter. Criteria: Invitae Variant Classification Sherloc (09022015). Collection method: clinical testing. Allele origin: germline.